The following is an entry in ClinVar:

NM_001005242.3(PKP2):c.596T>A (p.Ile199Asn)

Gene: PKP2 (plakophilin 2; minus strand). Cytogenetic location: 12p11.21.
Variant type: single nucleotide variant.
Coding change: c.596T>A on transcript NM_001005242.3 (MANE Select); coding-DNA position 596, T replaced by A.
Protein change: p.Ile199Asn; replaces isoleucine 199 with asparagine.
Molecular consequence: missense variant.
Genome position (GRCh38, 1-based): chr12:32,878,284, A>T on the plus strand (T>A on the coding strand, the complement: PKP2 is on the minus strand). VCF-style: chr12-32878284-A-T. GRCh37 (hg19) VCF-style: chr12-33031218-A-T.
Other names: c.596T>A, p.Ile199Asn (NM_001407155.1, NM_001407156.1, NM_001407157.1 and 2 more transcripts); c.269T>A, p.Ile90Asn (NM_001407158.1, NM_001407159.1, NM_001407160.1 and 1 more transcripts); short protein forms I90N, I199N.
Identifiers: ClinVar variation 2994426 (VCV002994426.3), dbSNP rs2541341170, ClinGen allele CA384364139.

ClinVar aggregate classification (germline): Uncertain significance (1 of 4 stars; one submission).

Conditions:
Arrhythmogenic right ventricular dysplasia 9 (ARVD9). Also called: Arrhythmogenic Right Ventricular Dysplasia/Cardiomyopathy 9; ARRHYTHMOGENIC RIGHT VENTRICULAR DYSPLASIA, FAMILIAL, 9. Identifiers: MedGen C1836906, MONDO:0012180, OMIM 609040.

Submission:

Labcorp Genetics (formerly Invitae), Labcorp
Classification: Uncertain significance for Arrhythmogenic right ventricular dysplasia 9. Last evaluated: 2023-09-29. Review status: criteria provided, single submitter. Criteria: Invitae Variant Classification Sherloc (09022015). Collection method: clinical testing. Allele origin: germline.
Comment: This sequence change replaces isoleucine, which is neutral and non-polar, with asparagine, which is neutral and polar, at codon 199 of the PKP2 protein (p.Ile199Asn). This variant is not present in population databases (gnomAD no frequency). This variant has not been reported in the literature in individuals affected with PKP2-related conditions. An algorithm developed to predict the effect of missense changes on protein structure and function (PolyPhen-2) suggests that this variant is likely to be disruptive. In summary, the available evidence is currently insufficient to determine the role of this variant in disease. Therefore, it has been classified as a Variant of Uncertain Significance.